The following is an entry in ClinVar:

ClinVar aggregate classification (germline): Likely benign (0 of 4 stars; one submission).

Conditions:
FGFR3-related disorder. Also called: FGFR3-related disorders.

Allele frequency attached by ClinVar (database versions not stated): gnomAD 0.00001; TOPMed 0.00001.
gnomAD v4.1: 2 of 1,609,548 alleles (0.00012%); highest among the groups gnomAD compares: African/African-American, 0.0027%; no homozygotes.

Submission:

PreventionGenetics, part of Exact Sciences
Classification: Likely benign for FGFR3-related condition. Last evaluated: 2021-09-22. Review status: no assertion criteria provided. Collection method: clinical testing. Allele origin: germline.
Comment: This variant is classified as likely benign based on ACMG/AMP sequence variant interpretation guidelines (Richards et al. 2015 PMID: 25741868, with internal and published modifications).

NM_000142.5(FGFR3):c.930+9C>G

Gene: FGFR3 (fibroblast growth factor receptor 3; plus strand). Cytogenetic location: 4p16.3.
Variant type: single nucleotide variant.
Coding change: c.930+9C>G on transcript NM_000142.5 (MANE Select); 9 bases into the intron after coding-DNA position 930, C replaced by G.
Molecular consequence: intron variant.
Genome position (GRCh38, 1-based): chr4:1,802,034, C>G. VCF-style: chr4-1802034-C-G. GRCh37 (hg19) VCF-style: chr4-1803761-C-G.
Other names: c.930+9C>G (NM_001163213.2, NM_001354809.2, NM_001354810.2 and 1 more transcripts).
Identifiers: ClinVar variation 3028974 (VCV003028974.2), dbSNP rs987829946, ClinGen allele CA91250095.
Genomic context (GRCh38, chr4:1,802,034, plus strand): 5'-GAATGGCAGCAAGGTGGGCCCGGACGGCACACCCTACGTTACCGTGCTCAAGGTGGGCCA[C>G]CGTGTGCACGTGGGTGCCGCCGCTGGGGCTCCTGGGCTGGCCCCAAGGGTGCCCCTTGGC-3'